The following is an entry in ClinVar:

ClinVar aggregate classification (germline): Uncertain significance. Review status: criteria provided, multiple submitters, no conflicts (2 of 4 stars). 2 submissions from 2 submitters: Uncertain significance (2). Last evaluated 2025-08-15.

Conditions:
Aortic valve disease 2 (AOVD2). Identifiers: MedGen C3542024, MONDO:0013902, OMIM 614823.
Holt-Oram syndrome (HOS). Also called: Ventriculo-radial syndrome; Cardiac-limb syndrome; Heart-hand syndrome, type 1; TBX5-Related Holt-Oram Syndrome. Identifiers: Orphanet 392, MedGen C0265264, MONDO:0007732, OMIM 142900.

Submissions (2):

Dasa
Classification: Uncertain significance for Holt-Oram syndrome. Last evaluated: 2025-08-15. Review status: criteria provided, single submitter. Criteria: DASA Assertion Criteria. Collection method: clinical testing. Allele origin: germline.
Comment: NM_181486.4(TBX5):c.524C>T (p.Ser175Phe) is a missense variant that results in the substitution of serine with phenylalanine. This variant is absent from population databases. Computational prediction algorithms are consistent with a deleterious effect. The currently available literature and clinical evidence are not sufficient to establish a definitive association between this variant and the reported condition. Therefore, this variant is classified as a variant of uncertain significance.

Labcorp Genetics (formerly Invitae), Labcorp
Classification: Uncertain significance for Aortic valve disease 2. Last evaluated: 2024-06-19. Review status: criteria provided, single submitter. Criteria: Invitae Variant Classification Sherloc (09022015). Collection method: clinical testing. Allele origin: germline.
Comment: This sequence change replaces serine, which is neutral and polar, with phenylalanine, which is neutral and non-polar, at codon 175 of the TBX5 protein (p.Ser175Phe). This variant is not present in population databases (gnomAD no frequency). This variant has not been reported in the literature in individuals affected with TBX5-related conditions. Advanced modeling of protein sequence and biophysical properties (such as structural, functional, and spatial information, amino acid conservation, physicochemical variation, residue mobility, and thermodynamic stability) has been performed at Invitae for this missense variant, however the output from this modeling did not meet the statistical confidence thresholds required to predict the impact of this variant on TBX5 protein function. In summary, the available evidence is currently insufficient to determine the role of this variant in disease. Therefore, it has been classified as a Variant of Uncertain Significance.

NM_181486.4(TBX5):c.524C>T (p.Ser175Phe)

Gene: TBX5 (T-box transcription factor 5; minus strand). Cytogenetic location: 12q24.21.
Variant type: single nucleotide variant.
Coding change: c.524C>T on transcript NM_181486.4 (MANE Select); coding-DNA position 524, C replaced by T.
Protein change: p.Ser175Phe; replaces serine 175 with phenylalanine.
Molecular consequence: missense variant.
Genome position (GRCh38, 1-based): chr12:114,394,880, G>A on the plus strand (C>T on the coding strand, the complement: TBX5 is on the minus strand). VCF-style: chr12-114394880-G-A. GRCh37 (hg19) VCF-style: chr12-114832685-G-A.
Other names: c.524C>T, p.Ser175Phe (NM_000192.3); c.374C>T, p.Ser125Phe (NM_080717.4); short protein forms S175F, S125F.
Identifiers: ClinVar variation 3669883 (VCV003669883.4).